The following is an entry in ClinVar:

ClinVar aggregate classification (germline): Pathogenic/Likely pathogenic. Review status: criteria provided, multiple submitters, no conflicts (2 of 4 stars). 2 submissions from 2 submitters: Pathogenic (1); Likely pathogenic (1). Last evaluated 2024-06-03.

Conditions:
Plasma factor XI deficiency.
Hereditary factor XI deficiency disease. Also called: PLASMA THROMBOPLASTIN ANTECEDENT DEFICIENCY; PTA DEFICIENCY; ROSENTHAL SYNDROME; Congenital factor XI deficiency. Identifiers: Orphanet 329, MedGen C0015523, MeSH D005173, MONDO:0012897, OMIM 612416.

gnomAD v4.1: 2 of 1,614,074 alleles (0.00012%); highest among the groups gnomAD compares: Middle Eastern, 0.016%; no homozygotes.

Submissions (2):

Natera, Inc.
Classification: Likely pathogenic for Plasma factor XI deficiency. Last evaluated: 2024-06-03. Review status: criteria provided, single submitter. Criteria: Natera Variant Classification Schema (03/2026). Collection method: clinical testing. Allele origin: germline.
Comment: The c.1411C>T variant in F11 is a nonsense variant predicted to introduce a stop codon at amino acid 471. This variant is expected to result in nonsense mediated decay, truncation, or a dysfunctional protein product. This variant is rare in the general population with a frequency below the threshold expected for the associated phenotype(s). Given the available evidence, this variant is classified as Likely Pathogenic.

Myriad Genetics, Inc.
Classification: Pathogenic for Hereditary factor XI deficiency disease. Last evaluated: 2024-05-14. Review status: criteria provided, single submitter. Criteria: Myriad Autosomal Dominant, Autosomal Recessive and X-Linked Classification Criteria (2023). Collection method: clinical testing. Allele origin: unknown.
Comment: NM_000128.3(F11):c.1411C>T(Q471*) is expected to be pathogenic in the context of factor XI deficiency. This variant is predicted to lead to an abnormal or absent protein product due to the creation of a premature termination codon in F11, a gene where loss-of-function variants are known to be pathogenic. Please note: this variant was assessed in the context of healthy population screening.

NM_000128.4(F11):c.1411C>T (p.Gln471Ter)

Gene: F11 (coagulation factor XI; plus strand). Cytogenetic location: 4q35.2.
Variant type: single nucleotide variant.
Coding change: c.1411C>T on transcript NM_000128.4 (MANE Select); coding-DNA position 1411, C replaced by T.
Protein change: p.Gln471Ter; replaces glutamine 471 with a stop codon.
Molecular consequence: nonsense.
Genome position (GRCh38, 1-based): chr4:186,285,744, C>T. VCF-style: chr4-186285744-C-T. GRCh37 (hg19) VCF-style: chr4-187206898-C-T.
Other names: c.1363C>T, p.Gln455Ter (NM_001440590.1, NM_001440596.1); c.1411C>T, p.Gln471Ter (NM_001440593.1); c.1141C>T, p.Gln381Ter (NM_001440605.1, NM_001440607.1); c.1093C>T, p.Gln365Ter (NM_001440606.1, NM_001440608.1); short protein forms Q365*, Q381*, Q455*, Q471*.
Identifiers: ClinVar variation 4817488 (VCV004817488.2).
Genomic context (GRCh38, chr4:186,285,744, plus strand): 5'-CAATCTGAAATAAAAGAGGACACATCTTTCTTTGGGGTTCAAGAAATAATAATCCATGAT[C>T]AGTATAAAATGGCAGAAAGCGGGTATGATATTGCCTTGTTGAAACTGGAAACCACAGTGA-3'